The following is an entry in ClinVar:

ClinVar aggregate classification (germline): Uncertain significance. Review status: criteria provided, multiple submitters, no conflicts (2 of 4 stars). 3 submissions from 3 submitters: Uncertain significance (3). Last evaluated 2025-09-01.

Conditions:
Inborn genetic diseases. Identifiers: MedGen C0950123, MeSH D030342.
Facioscapulohumeral muscular dystrophy 2 (FSHD2). Also called: MUSCULAR DYSTROPHY, FACIOSCAPULOHUMERAL, TYPE 1B; FACIOSCAPULOHUMERAL MUSCULAR DYSTROPHY 2, DIGENIC; FSHD2, DIGENIC. Identifiers: Orphanet 269, MedGen C1834671, MONDO:0008031, OMIM 158901.

Allele frequency attached by ClinVar (database versions not stated): gnomAD exomes below 0.00001 and 0.00002; gnomAD 0.00001; TOPMed 0.00001; ExAC 0.00002.
gnomAD v4.1: 7 of 1,601,310 alleles (0.00044%); highest among the groups gnomAD compares: Admixed American, 0.0084%; no homozygotes.

Submissions (3):

Ambry Genetics
Classification: Uncertain significance for Inborn genetic diseases. Last evaluated: 2025-09-01. Review status: criteria provided, single submitter. Criteria: Ambry Variant Classification Scheme 2023. Collection method: clinical testing. Allele origin: germline.

Labcorp Genetics (formerly Invitae), Labcorp
Classification: Uncertain significance for Facioscapulohumeral muscular dystrophy 2. Last evaluated: 2025-01-10. Review status: criteria provided, single submitter. Criteria: Invitae Variant Classification Sherloc (09022015). Collection method: clinical testing. Allele origin: germline.
Comment: This sequence change replaces serine, which is neutral and polar, with glycine, which is neutral and non-polar, at codon 1432 of the SMCHD1 protein (p.Ser1432Gly). This variant is present in population databases (rs764323722, gnomAD 0.02%). This variant has not been reported in the literature in individuals affected with SMCHD1-related conditions. ClinVar contains an entry for this variant (Variation ID: 497500). Invitae Evidence Modeling of protein sequence and biophysical properties (such as structural, functional, and spatial information, amino acid conservation, physicochemical variation, residue mobility, and thermodynamic stability) indicates that this missense variant is not expected to disrupt SMCHD1 protein function with a negative predictive value of 80%. In summary, the available evidence is currently insufficient to determine the role of this variant in disease. Therefore, it has been classified as a Variant of Uncertain Significance.

Eurofins Ntd Llc (ga)
Classification: Uncertain significance. Last evaluated: 2016-10-17. Review status: criteria provided, single submitter. Criteria: EGL Classification Definitions 2015. Collection method: clinical testing. Allele origin: germline. Observed: 1 variant allele, 1 heterozygote.

NM_015295.3(SMCHD1):c.4294A>G (p.Ser1432Gly)

Gene: SMCHD1 (structural maintenance of chromosomes flexible hinge domain containing 1; plus strand). Cytogenetic location: 18p11.32.
Variant type: single nucleotide variant.
Coding change: c.4294A>G on transcript NM_015295.3 (MANE Select); coding-DNA position 4294, A replaced by G.
Protein change: p.Ser1432Gly; replaces serine 1432 with glycine.
Molecular consequence: missense variant.
Genome position (GRCh38, 1-based): chr18:2,752,500, A>G. VCF-style: chr18-2752500-A-G. GRCh37 (hg19) VCF-style: chr18-2752498-A-G.
Other names: c.4294A>G (NM_015295.2); short protein forms S1432G.
Identifiers: ClinVar variation 497500 (VCV000497500.9), dbSNP rs764323722, ClinGen allele CA8871442.